The following is an entry in ClinVar:

ClinVar aggregate classification (germline): Conflicting classifications of pathogenicity. Review status: criteria provided, conflicting classifications (1 of 4 stars). 4 submissions from 4 submitters: Uncertain significance (3); Likely benign (1). Last evaluated 2026-06-16.

Conditions:
Polyps, multiple and recurrent inflammatory fibroid, gastrointestinal. Identifiers: MedGen C5193005, MONDO:0008285, OMIM 175510.
Hereditary cancer-predisposing syndrome. Also called: Neoplastic Syndromes, Hereditary; Tumor predisposition; Hereditary Cancer Syndrome; Hereditary neoplastic syndrome. Identifiers: Orphanet 140162, MedGen C0027672, MeSH D009386, MONDO:0015356.
PDGFRA-related disorder. Also called: PDGFRA-related condition.
Gastrointestinal stromal tumor. Also called: Gastrointestinal stroma tumor; Gastrointestinal stromal tumor, somatic. Identifiers: Orphanet 44890, MedGen C0238198, MeSH D046152, MONDO:0011719, OMIM 606764, HP:0100723.

Allele frequency attached by ClinVar (database versions not stated): TOPMed 0.00001.
gnomAD v4.1: 3 of 1,614,164 alleles (0.00019%); highest among the groups gnomAD compares: Non-Finnish European, 0.00025%; no homozygotes.

Submissions (4):

Myriad Genetics, Inc.
Classification: Likely benign for Polyps, multiple and recurrent inflammatory fibroid, gastrointestinal. Last evaluated: 2026-06-16. Review status: criteria provided, single submitter. Criteria: Myriad Autosomal Dominant, Autosomal Recessive and X-Linked Classification Criteria (2023). Collection method: clinical testing. Allele origin: unknown.
Comment: This variant is considered likely benign. This variant has been observed at a population frequency that is significantly greater than expected given the associated disease prevalence and penetrance.

Labcorp Genetics (formerly Invitae), Labcorp
Classification: Uncertain significance for Gastrointestinal stromal tumor. Last evaluated: 2025-11-09. Review status: criteria provided, single submitter. Criteria: Invitae Variant Classification Sherloc (09022015). Collection method: clinical testing. Allele origin: germline.
Comment: This sequence change replaces valine, which is neutral and non-polar, with aspartic acid, which is acidic and polar, at codon 1028 of the PDGFRA protein (p.Val1028Asp). This variant is present in population databases (no rsID available, gnomAD 0.002%). This variant has not been reported in the literature in individuals affected with PDGFRA-related conditions. ClinVar contains an entry for this variant (Variation ID: 581103). Invitae Evidence Modeling of protein sequence and biophysical properties (such as structural, functional, and spatial information, amino acid conservation, physicochemical variation, residue mobility, and thermodynamic stability) indicates that this missense variant is not expected to disrupt PDGFRA protein function with a negative predictive value of 80%. In summary, the available evidence is currently insufficient to determine the role of this variant in disease. Therefore, it has been classified as a Variant of Uncertain Significance.

PreventionGenetics, part of Exact Sciences
Classification: Uncertain significance for PDGFRA-related condition. Last evaluated: 2025-06-28. Review status: criteria provided, single submitter. Criteria: ACMG Guidelines, 2015. Collection method: clinical testing. Allele origin: germline.
Comment: The PDGFRA c.3083T>A variant is predicted to result in the amino acid substitution p.Val1028Asp. To our knowledge, this variant has not been reported in the literature. This variant is reported in 0.0018% of alleles in individuals of European (Non-Finnish) descent in gnomAD and is interpreted as uncertain in ClinVar. At this time, the clinical significance of this variant is uncertain due to the absence of conclusive functional and genetic evidence.

Ambry Genetics
Classification: Uncertain significance for Hereditary cancer-predisposing syndrome. Last evaluated: 2024-08-26. Review status: criteria provided, single submitter. Criteria: Ambry Variant Classification Scheme 2023. Collection method: clinical testing. Allele origin: germline.
Comment: The p.V1028D variant (also known as c.3083T>A), located in coding exon 21 of the PDGFRA gene, results from a T to A substitution at nucleotide position 3083. The valine at codon 1028 is replaced by aspartic acid, an amino acid with highly dissimilar properties. This amino acid position is not well conserved in available vertebrate species. In addition, this alteration is predicted to be tolerated by in silico analysis. Since supporting evidence is limited at this time, the clinical significance of this alteration remains unclear.

NM_006206.6(PDGFRA):c.3083T>A (p.Val1028Asp)

Gene: PDGFRA (platelet derived growth factor receptor alpha; plus strand). Cytogenetic location: 4q12.
Variant type: single nucleotide variant.
Coding change: c.3083T>A on transcript NM_006206.6 (MANE Select); coding-DNA position 3083, T replaced by A.
Protein change: p.Val1028Asp; replaces valine 1028 with aspartic acid.
Molecular consequence: missense variant.
Genome position (GRCh38, 1-based): chr4:54,290,515, T>A. VCF-style: chr4-54290515-T-A. GRCh37 (hg19) VCF-style: chr4-55156682-T-A.
Other names: c.3158T>A, p.Val1053Asp (NM_001347828.2); c.3083T>A, p.Val1028Asp (NM_001347829.2); c.3122T>A, p.Val1041Asp (NM_001347830.2); c.3083T>A (NM_006206.5); short protein forms V1028D, V1041D, V1053D.
Identifiers: ClinVar variation 581103 (VCV000581103.14), dbSNP rs765476521, ClinGen allele CA96830268.